The following is an entry in ClinVar:

NM_001845.6(COL4A1):c.1784G>A (p.Gly595Asp)

Gene: COL4A1 (collagen type IV alpha 1 chain; minus strand). Cytogenetic location: 13q34.
Variant type: single nucleotide variant.
Coding change: c.1784G>A on transcript NM_001845.6 (MANE Select); coding-DNA position 1784, G replaced by A.
Protein change: p.Gly595Asp; replaces glycine 595 with aspartic acid.
Molecular consequence: missense variant.
Genome position (GRCh38, 1-based): chr13:110,186,498, C>T on the plus strand (G>A on the coding strand, the complement: COL4A1 is on the minus strand). VCF-style: chr13-110186498-C-T. GRCh37 (hg19) VCF-style: chr13-110838845-C-T.
Other names: short protein forms G595D.
Identifiers: ClinVar variation 3765642 (VCV003765642.1).
Genomic context (GRCh38, chr13:110,186,498, plus strand): 5'-CCAATGGGACCAGCAGGACCATATCCTGGAGGCCCAGGGGGGCCGGTGTCACCACGACTG[C>T]CTGGGAATCCAACTCCTCCAGGGGGGCCACGCTCTCCTTTCAATCCTACAGAACCCTGAT-3'
Protein context (NP_001836.3, residues 585-605): RGPPGGVGFP[Gly595Asp]SRGDTGPPGP

ClinVar aggregate classification (germline): Likely pathogenic (1 of 4 stars; one submission).

Conditions:
COL4A1-related disorder. Also called: COL4A1-related disorders; COL4A1-related condition. Identifiers: MedGen CN376119, MONDO:0800461.

Submission:

Greenwood Genetic Center Diagnostic Laboratories, Greenwood Genetic Center
Classification: Likely pathogenic for COL4A1-related disorder. Last evaluated: 2024-09-11. Review status: criteria provided, single submitter. Criteria: ACMG Guidelines, 2015. Collection method: clinical testing. Allele origin: germline. Affected: yes.
Comment: PM1, PM2, PP2, PP3